The following is an entry in ClinVar:

NM_000368.5(TSC1):c.1446A>G (p.Ile482Met)

Gene: TSC1 (TSC complex subunit 1; minus strand). Cytogenetic location: 9q34.13.
Variant type: single nucleotide variant.
Coding change: c.1446A>G on transcript NM_000368.5 (MANE Select); coding-DNA position 1446, A replaced by G.
Protein change: p.Ile482Met; replaces isoleucine 482 with methionine.
Molecular consequence: missense variant.
Genome position (GRCh38, 1-based): chr9:132,906,132, T>C on the plus strand (A>G on the coding strand, the complement: TSC1 is on the minus strand). VCF-style: chr9-132906132-T-C. GRCh37 (hg19) VCF-style: chr9-135781519-T-C.
Other names: c.1443A>G, p.Ile481Met (NM_001162426.2); c.1293A>G, p.Ile431Met (NM_001162427.2); c.1083A>G, p.Ile361Met (NM_001362177.2); short protein forms I481M, I482M, I361M, I431M.
Identifiers: ClinVar variation 938338 (VCV000938338.14), dbSNP rs1845658834, ClinGen allele CA375365604.

ClinVar aggregate classification (germline): Uncertain significance. Review status: criteria provided, multiple submitters, no conflicts (2 of 4 stars). 3 submissions from 3 submitters: Uncertain significance (3). Last evaluated 2024-08-29.

Conditions:
Tuberous sclerosis 1 (TSC1). Identifiers: Orphanet 805, MedGen C1854465, MONDO:0008612, OMIM 191100.
Hereditary cancer-predisposing syndrome. Also called: Tumor predisposition; Hereditary neoplastic syndrome; Neoplastic Syndromes, Hereditary; Hereditary Cancer Syndrome. Identifiers: Orphanet 140162, MedGen C0027672, MeSH D009386, MONDO:0015356.

Allele frequency attached by ClinVar (database versions not stated): gnomAD exomes below 0.00001.
gnomAD v4.1: 3 of 1,612,626 alleles (0.00019%); highest among the groups gnomAD compares: Middle Eastern, 0.017%; no homozygotes.

Submissions (3):

Ambry Genetics
Classification: Uncertain significance for Hereditary cancer-predisposing syndrome. Last evaluated: 2024-08-29. Review status: criteria provided, single submitter. Criteria: Ambry Variant Classification Scheme 2023. Collection method: clinical testing. Allele origin: germline.
Comment: The p.I482M variant (also known as c.1446A>G), located in coding exon 13 of the TSC1 gene, results from an A to G substitution at nucleotide position 1446. The isoleucine at codon 482 is replaced by methionine, an amino acid with highly similar properties. This amino acid position is well conserved in available vertebrate species. In addition, the in silico prediction for this alteration is inconclusive. Based on the available evidence, the clinical significance of this variant remains unclear.

GeneDx
Classification: Uncertain significance. Last evaluated: 2024-01-22. Review status: criteria provided, single submitter. Criteria: GeneDx Variant Classification Process June 2021. Collection method: clinical testing. Allele origin: germline. Affected: yes.
Comment: Not observed at significant frequency in large population cohorts (gnomAD); In silico analysis supports that this missense variant does not alter protein structure/function; Has not been previously published as pathogenic or benign to our knowledge

Labcorp Genetics (formerly Invitae), Labcorp
Classification: Uncertain significance for Tuberous sclerosis 1. Last evaluated: 2022-04-19. Review status: criteria provided, single submitter. Criteria: Invitae Variant Classification Sherloc (09022015). Collection method: clinical testing. Allele origin: germline.
Comment: ClinVar contains an entry for this variant (Variation ID: 938338). In summary, the available evidence is currently insufficient to determine the role of this variant in disease. Therefore, it has been classified as a Variant of Uncertain Significance. Algorithms developed to predict the effect of missense changes on protein structure and function are either unavailable or do not agree on the potential impact of this missense change (SIFT: "Deleterious"; PolyPhen-2: "Probably Damaging"; Align-GVGD: "Class C0"). This variant has not been reported in the literature in individuals affected with TSC1-related conditions. This variant is not present in population databases (gnomAD no frequency). This sequence change replaces isoleucine, which is neutral and non-polar, with methionine, which is neutral and non-polar, at codon 482 of the TSC1 protein (p.Ile482Met).

Literature cited by the submitters: PubMed 38971859 (cited by Ambry Genetics).